The following is an entry in ClinVar:

ClinVar aggregate classification (germline): Conflicting classifications of pathogenicity. Review status: criteria provided, conflicting classifications (1 of 4 stars). 3 submissions from 3 submitters: Uncertain significance (2); Likely benign (1). Last evaluated 2025-03-24.

Conditions:
Inborn genetic diseases. Identifiers: MedGen C0950123, MeSH D030342.
Mitochondrial complex IV deficiency, nuclear type 12. Also called: Mitochondrial complex 4 deficiency, nuclear type 12. Identifiers: MedGen C5436695, MONDO:0033646, OMIM 619055.

Allele frequency attached by ClinVar (database versions not stated): gnomAD exomes 0.00001; 1000 Genomes Project 30x 0.00016; 1000 Genomes Project 0.00020.
gnomAD v4.1: 37 of 1,535,844 alleles (0.0024%); highest among the groups gnomAD compares: Non-Finnish European, 0.0028%; no homozygotes.

Submissions (3):

Ambry Genetics
Classification: Likely benign for Inborn genetic diseases. Last evaluated: 2025-03-24. Review status: criteria provided, single submitter. Criteria: Ambry Variant Classification Scheme 2023. Collection method: clinical testing. Allele origin: germline.

GeneDx
Classification: Uncertain significance. Last evaluated: 2022-01-11. Review status: criteria provided, single submitter. Criteria: GeneDx Variant Classification Process June 2021. Collection method: clinical testing. Allele origin: germline. Affected: yes.
Comment: Not observed at significant frequency in large population cohorts (gnomAD); In silico analysis supports that this missense variant does not alter protein structure/function; Has not been previously published as pathogenic or benign to our knowledge

Fulgent Genetics
Classification: Uncertain significance for Mitochondrial complex IV deficiency, nuclear type 12. Last evaluated: 2021-10-25. Review status: criteria provided, single submitter. Criteria: ACMG Guidelines, 2015. Collection method: clinical testing. Allele origin: unknown.

NM_001171155.2(PET100):c.200G>A (p.Arg67His)

Genes: PET100 (PET100 cytochrome c oxidase chaperone; plus strand), STXBP2 (syntaxin binding protein 2; plus strand). Cytogenetic location: 19p13.2.
Variant type: single nucleotide variant.
Coding change: c.200G>A on transcript NM_001171155.2 (MANE Select); coding-DNA position 200, G replaced by A.
Protein change: p.Arg67His; replaces arginine 67 with histidine.
Molecular consequence: missense variant. On other transcripts: non-coding transcript variant (1).
Genome position (GRCh38, 1-based): chr19:7,631,534, G>A. VCF-style: chr19-7631534-G-A. GRCh37 (hg19) VCF-style: chr19-7696420-G-A.
Other names: short protein forms R67H.
Identifiers: ClinVar variation 1695740 (VCV001695740.4), dbSNP rs556380451, ClinGen allele CA9142874.